The following is an entry in ClinVar:

ClinVar aggregate classification (germline): Conflicting classifications of pathogenicity. Review status: criteria provided, conflicting classifications (1 of 4 stars). 2 submissions from 2 submitters: Uncertain significance (1); Likely benign (1). Last evaluated 2024-10-24.

Conditions:
Hereditary cancer-predisposing syndrome. Also called: Tumor predisposition; Hereditary Cancer Syndrome; Neoplastic Syndromes, Hereditary; Hereditary neoplastic syndrome. Identifiers: Orphanet 140162, MedGen C0027672, MeSH D009386, MONDO:0015356.
Familial cancer of breast. Also called: BREAST CANCER, FAMILIAL; Hereditary breast cancer; hereditary breast carcinoma. Identifiers: Orphanet 227535, MedGen C0346153, MONDO:0016419, OMIM 114480. Disease mechanism: loss of function.

Allele frequency attached by ClinVar (database versions not stated): gnomAD exomes below 0.00001.
gnomAD v4.1: 1 of 1,614,094 alleles (0.000062%); highest among the groups gnomAD compares: Non-Finnish European, 0.000085%; no homozygotes.

Submissions (2):

Labcorp Genetics (formerly Invitae), Labcorp
Classification: Uncertain significance for Familial cancer of breast. Last evaluated: 2024-10-24. Review status: criteria provided, single submitter. Criteria: Invitae Variant Classification Sherloc (09022015). Collection method: clinical testing. Allele origin: germline.
Comment: This sequence change replaces threonine, which is neutral and polar, with isoleucine, which is neutral and non-polar, at codon 89 of the CHEK2 protein (p.Thr89Ile). This variant is not present in population databases (gnomAD no frequency). This variant has not been reported in the literature in individuals affected with CHEK2-related conditions. ClinVar contains an entry for this variant (Variation ID: 821650). An algorithm developed to predict the effect of missense changes on protein structure and function (PolyPhen-2) suggests that this variant is likely to be tolerated. In summary, the available evidence is currently insufficient to determine the role of this variant in disease. Therefore, it has been classified as a Variant of Uncertain Significance.

Ambry Genetics
Classification: Likely benign for Hereditary cancer-predisposing syndrome. Last evaluated: 2024-09-26. Review status: criteria provided, single submitter. Criteria: Ambry Variant Classification Scheme 2023. Collection method: clinical testing. Allele origin: germline.

NM_007194.4(CHEK2):c.266C>T (p.Thr89Ile)

Gene: CHEK2 (checkpoint kinase 2; minus strand). Cytogenetic location: 22q12.1.
Variant type: single nucleotide variant.
Coding change: c.266C>T on transcript NM_007194.4 (MANE Select); coding-DNA position 266, C replaced by T.
Protein change: p.Thr89Ile; replaces threonine 89 with isoleucine.
Molecular consequence: missense variant.
Genome position (GRCh38, 1-based): chr22:28,734,456, G>A on the plus strand (C>T on the coding strand, the complement: CHEK2 is on the minus strand). VCF-style: chr22-28734456-G-A. GRCh37 (hg19) VCF-style: chr22-29130444-G-A.
Other names: c.266C>T, p.Thr89Ile (NM_001005735.3, NM_001349956.3, NM_145862.3); c.-512C>T (NM_001257387.3); short protein forms T89I.
Identifiers: ClinVar variation 821650 (VCV000821650.15), dbSNP rs1601851716, ClinGen allele CA411090474.